The following is an entry in ClinVar:

ClinVar aggregate classification (germline): Uncertain significance (1 of 4 stars; one submission).

Submission:

Institute for Clinical Genetics, University Hospital TU Dresden, University Hospital TU Dresden
Classification: Uncertain significance. Last evaluated: 2023-05-16. Review status: criteria provided, single submitter. Criteria: ACMG Guidelines, 2015. Collection method: clinical testing. Allele origin: paternal.
Comment: PM2_SUP, PP2

NM_000138.5(FBN1):c.6370T>C (p.Ser2124Pro)

Gene: FBN1 (fibrillin 1; minus strand). Cytogenetic location: 15q21.1.
Variant type: single nucleotide variant.
Coding change: c.6370T>C on transcript NM_000138.5 (MANE Select); coding-DNA position 6370, T replaced by C.
Protein change: p.Ser2124Pro; replaces serine 2124 with proline.
Molecular consequence: missense variant.
Genome position (GRCh38, 1-based): chr15:48,437,331, A>G on the plus strand (T>C on the coding strand, the complement: FBN1 is on the minus strand). VCF-style: chr15-48437331-A-G. GRCh37 (hg19) VCF-style: chr15-48729528-A-G.
Other names: c.6370T>C, p.Ser2124Pro (NM_001406716.1); short protein forms S2124P.
Identifiers: ClinVar variation 2576111 (VCV002576111.1), dbSNP rs2505436838, ClinGen allele CA392336751.
Genomic context (GRCh38, chr15:48,437,331, plus strand): 5'-AGCAGATTGAGAATACTGAGAAATGCTGAGAATCCAGCACAGGCAACTGACCAACTGCTG[A>G]ATCATCAGGTCCCACGATGATCCCACTTCCATAAGGACATATCTGGCGGAAGGCCTCTGT-3'
Protein context (NP_000129.3, residues 2114-2134): GSGIIVGPDD[Ser2124Pro]AVDMDECKEP